The following is an entry in ClinVar:

NM_006904.7(PRKDC):c.6397C>G (p.Leu2133Val)

Gene: PRKDC (protein kinase, DNA-activated, catalytic subunit; minus strand). Cytogenetic location: 8q11.21.
Variant type: single nucleotide variant.
Coding change: c.6397C>G on transcript NM_006904.7 (MANE Select); coding-DNA position 6397, C replaced by G.
Protein change: p.Leu2133Val; replaces leucine 2133 with valine.
Molecular consequence: missense variant.
Genome position (GRCh38, 1-based): chr8:47,858,584, G>C on the plus strand (C>G on the coding strand, the complement: PRKDC is on the minus strand). VCF-style: chr8-47858584-G-C. GRCh37 (hg19) VCF-style: chr8-48771145-G-C.
Other names: c.6397C>G, p.Leu2133Val (NM_001081640.2); short protein forms L2133V.
Identifiers: ClinVar variation 576325 (VCV000576325.7), dbSNP rs573302015, ClinGen allele CA4740358.

ClinVar aggregate classification (germline): Uncertain significance (1 of 4 stars; one submission).

Conditions:
Severe combined immunodeficiency due to DNA-PKcs deficiency. Also called: IMMUNODEFICIENCY 26 WITH NEUROLOGIC ABNORMALITIES; Immunodeficiency 26 with or without neurologic abnormalities. Identifiers: Orphanet 317425, MedGen C4014833, MONDO:0014423, OMIM 615966.

Allele frequency attached by ClinVar (database versions not stated): gnomAD exomes 0.00002; ExAC 0.00005; gnomAD 0.00014 and 0.00015; TOPMed 0.00030; 1000 Genomes Project 30x 0.00031; 1000 Genomes Project 0.00040.
gnomAD v4.1: 36 of 1,560,702 alleles (0.0023%); highest among the groups gnomAD compares: Admixed American, 0.056%; no homozygotes.

Submission:

Labcorp Genetics (formerly Invitae), Labcorp
Classification: Uncertain significance for Severe combined immunodeficiency due to DNA-PKcs deficiency. Last evaluated: 2024-06-26. Review status: criteria provided, single submitter. Criteria: Invitae Variant Classification Sherloc (09022015). Collection method: clinical testing. Allele origin: germline.
Comment: This sequence change replaces leucine, which is neutral and non-polar, with valine, which is neutral and non-polar, at codon 2133 of the PRKDC protein (p.Leu2133Val). This variant is present in population databases (rs573302015, gnomAD 0.01%). This variant has not been reported in the literature in individuals affected with PRKDC-related conditions. ClinVar contains an entry for this variant (Variation ID: 576325). Advanced modeling of protein sequence and biophysical properties (such as structural, functional, and spatial information, amino acid conservation, physicochemical variation, residue mobility, and thermodynamic stability) performed at Invitae indicates that this missense variant is not expected to disrupt PRKDC protein function with a negative predictive value of 80%. In summary, the available evidence is currently insufficient to determine the role of this variant in disease. Therefore, it has been classified as a Variant of Uncertain Significance.